The following is an entry in ClinVar:

NM_152564.5(VPS13B):c.3811A>T (p.Thr1271Ser)

Gene: VPS13B (vacuolar protein sorting 13 homolog B; plus strand). Cytogenetic location: 8q22.2.
Variant type: single nucleotide variant.
Coding change: c.3811A>T on transcript NM_152564.5 (MANE Select); coding-DNA position 3811, A replaced by T.
Protein change: p.Thr1271Ser; replaces threonine 1271 with serine.
Molecular consequence: missense variant.
Genome position (GRCh38, 1-based): chr8:99,481,743, A>T. VCF-style: chr8-99481743-A-T. GRCh37 (hg19) VCF-style: chr8-100493971-A-T.
Other names: p.Thr1271Ser; c.3811A>T, p.Thr1271Ser (NM_017890.5); short protein forms T1271S.
Identifiers: ClinVar variation 195900 (VCV000195900.53), dbSNP rs142674934, ClinGen allele CA207289.
Genomic context (GRCh38, chr8:99,481,743, plus strand): 5'-ACCTCTCCAGAGACCATGGCAGGGCCTGTTCCTACTTCTCCAGTTAGAAGCAGTATAGGC[A>T]CAGCTCCTCCAGATACCAGCACATGCAGCCCATCTGCTGACATTGGGACTACTACTGAGG-3'
Protein context (NP_689777.3, residues 1261-1281): PTSPVRSSIG[Thr1271Ser]APPDTSTCSP

ClinVar aggregate classification (germline): Conflicting classifications of pathogenicity. Review status: criteria provided, conflicting classifications (1 of 4 stars). 15 submissions from 15 submitters: Uncertain significance (6); Likely benign (6). 3 of the submissions do not count toward it. Last evaluated 2026-07-01.

Conditions:
Inborn genetic diseases. Identifiers: MedGen C0950123, MeSH D030342.
Cohen syndrome (COH1). Also called: PEPPER SYNDROME; Cutis verticis gyrata, retinitis pigmentosa, and sensorineural deafness. Identifiers: Orphanet 193, MedGen C0265223, MONDO:0008999, OMIM 216550.

Allele frequency attached by ClinVar (database versions not stated): 1000 Genomes Project 30x 0.00047; ESP Exome Variant Server 0.00054; 1000 Genomes Project 0.00060; ExAC 0.00062; gnomAD 0.00066 and 0.00069; TOPMed 0.00082.
gnomAD v4.1: 1,308 of 1,613,984 alleles (0.081%); highest among the groups gnomAD compares: Admixed American, 0.17%; 2 homozygotes.

Submissions (15):

CeGaT Center for Human Genetics Tuebingen
Classification: Likely benign. Last evaluated: 2026-07-01. Review status: criteria provided, single submitter. Criteria: CeGaT Center For Human Genetics Tuebingen Variant Classification Criteria Version 2. Collection method: clinical testing. Allele origin: germline. Affected: yes. Observed: 6 variant alleles.
Comment: VPS13B: BS2

Labcorp Genetics (formerly Invitae), Labcorp
Classification: Likely benign for Cohen syndrome. Last evaluated: 2026-02-01. Review status: criteria provided, single submitter. Criteria: Invitae Variant Classification Sherloc (09022015). Collection method: clinical testing. Allele origin: germline.

Blueprint Genetics
Classification: Likely benign. Last evaluated: 2024-11-26. Review status: criteria provided, single submitter. Criteria: ACMG Guidelines, 2015. Collection method: clinical testing. Allele origin: germline.

Mayo Clinic Laboratories, Mayo Clinic
Classification: Likely benign. Last evaluated: 2024-10-15. Review status: criteria provided, single submitter. Criteria: ACMG Guidelines, 2015. Collection method: clinical testing. Allele origin: germline. Observed: 7 variant alleles.
Comment: BS1, BP1, BP4

Athena Diagnostics
Classification: Uncertain significance. Last evaluated: 2023-08-25. Review status: criteria provided, single submitter. Criteria: Athena Diagnostics Criteria. Collection method: clinical testing. Allele origin: unknown.
Comment: Available data are insufficient to determine the clinical significance of the variant at this time. The frequency of this variant in the general population is higher than would generally be expected for pathogenic variants in this gene. Computational tools disagree on the variant's effect on normal protein function.

Women's Health and Genetics/Laboratory Corporation of America, LabCorp
Classification: Uncertain significance. Last evaluated: 2022-05-10. Review status: criteria provided, single submitter. Criteria: LabCorp Variant Classification Summary - May 2015. Collection method: clinical testing. Allele origin: germline.
Comment: Variant summary: VPS13B c.3811A>T (p.Thr1271Ser) results in a conservative amino acid change in the encoded protein sequence. Three of five in-silico tools predict a benign effect of the variant on protein function. The variant allele was found at a frequency of 0.00073 in 251114 control chromosomes. This frequency is not significantly higher than expected for a pathogenic variant in VPS13B causing Cohen Syndrome (0.00073 vs 0.0025), allowing no conclusion about variant significance. c.3811A>T has been reported in the literature as a non-informative genotype in at-least one individual with a presumed diagnosis of Cohen syndrome who underwent a trio based whole genome sequencing (WGS) analysis (example, Scocchia_2019). These report(s) do not provide unequivocal conclusions about association of the variant with Cohen Syndrome. To our knowledge, no experimental evidence demonstrating an impact on protein function has been reported. Seven clinical diagnostic laboratories have submitted clinical-significance assessments for this variant to ClinVar after 2014 without evidence for independent evaluation. Multiple laboratories reported the variant with conflicting assessments (VUS, n=5; Likely Benign, n=2). Based on the evidence outlined above, the variant was classified as uncertain significance.

Ambry Genetics
Classification: Likely benign for Inborn genetic diseases. Last evaluated: 2021-06-15. Review status: criteria provided, single submitter. Criteria: Ambry Variant Classification Scheme 2023. Collection method: clinical testing. Allele origin: germline.

GeneDx
Classification: Likely benign. Last evaluated: 2019-03-13. Review status: criteria provided, single submitter. Criteria: GeneDx Variant Classification Process June 2021. Collection method: clinical testing. Allele origin: germline. Affected: yes.
Comment: This variant is associated with the following publications: (PMID: 30792901)

Illumina Laboratory Services, Illumina
Classification: Uncertain significance for Cohen syndrome. Last evaluated: 2018-01-12. Review status: criteria provided, single submitter. Criteria: ICSL Variant Classification Criteria 13 December 2019. Collection method: clinical testing. Allele origin: germline.

Fulgent Genetics
Classification: Uncertain significance for Cohen syndrome. Last evaluated: 2017-05-23. Review status: criteria provided, single submitter. Criteria: ACMG Guidelines, 2015. Collection method: clinical testing. Allele origin: unknown.

Eurofins Ntd Llc (ga)
Classification: Uncertain significance. Last evaluated: 2017-01-11. Review status: criteria provided, single submitter. Criteria: EGL Classification Definitions 2015. Collection method: clinical testing. Allele origin: germline. Observed: 2 variant alleles, 2 heterozygotes.

Genetic Services Laboratory, University of Chicago
Classification: Uncertain significance. Last evaluated: 2014-04-14. Review status: criteria provided, single submitter. Criteria: ACMG Guidelines, 2007. Collection method: clinical testing. Allele origin: germline.

Natera, Inc.
Classification: Likely benign for Cohen syndrome. Last evaluated: 2020-06-04. Review status: no assertion criteria provided. Collection method: clinical testing. Allele origin: germline. Not counted in ClinVar's aggregate classification.

Clinical Genetics DNA and cytogenetics Diagnostics Lab, Erasmus MC, Erasmus Medical Center
Classification: Uncertain significance. Review status: no assertion criteria provided. Collection method: clinical testing. Allele origin: germline. Affected: yes. Study: VKGL Data-share Consensus. Not counted in ClinVar's aggregate classification.

Clinical Genetics, Academic Medical Center
Classification: Uncertain significance. Review status: no assertion criteria provided. Collection method: clinical testing. Allele origin: germline. Affected: yes. Study: VKGL Data-share Consensus. Not counted in ClinVar's aggregate classification.

Literature cited by the submitters: PubMed 30792901 (cited by 3 submitters).